The following is an entry in ClinVar:

ClinVar aggregate classification (germline): Benign. Review status: criteria provided, multiple submitters, no conflicts (2 of 4 stars). 5 submissions from 5 submitters: Benign (4). 1 of the submissions does not count toward it. Last evaluated 2026-02-02.

Conditions:
Microcephalic primordial dwarfism due to ZNF335 deficiency. Also called: Primary autosomal recessive microcephaly 10. Identifiers: Orphanet 329228, MedGen C3554499, MONDO:0014043, OMIM 615095.

Allele frequency attached by ClinVar (database versions not stated): TOPMed 0.16972; gnomAD 0.16529 and 0.16743; ESP Exome Variant Server 0.16523; ExAC 0.15456; 1000 Genomes Project 30x 0.22439; 1000 Genomes Project 0.22624.
gnomAD v4.1: 215,212 of 1,613,730 alleles (13%); highest among the groups gnomAD compares: East Asian, 33%; 16,588 homozygotes.

Submissions (5):

Labcorp Genetics (formerly Invitae), Labcorp
Classification: Benign. Last evaluated: 2026-02-02. Review status: criteria provided, single submitter. Criteria: Invitae Variant Classification Sherloc (09022015). Collection method: clinical testing. Allele origin: germline.

Genome-Nilou Lab
Classification: Benign for Microcephalic primordial dwarfism due to ZNF335 deficiency. Last evaluated: 2021-12-05. Review status: criteria provided, single submitter. Criteria: ACMG Guidelines, 2015. Collection method: clinical testing. Allele origin: germline. Affected: no.

GeneDx
Classification: Benign. Last evaluated: 2018-07-26. Review status: criteria provided, single submitter. Criteria: GeneDx Variant Classification Process June 2021. Collection method: clinical testing. Allele origin: germline. Affected: yes.

Breakthrough Genomics
Classification: Benign. Review status: criteria provided, single submitter. Criteria: ACMG Guidelines, 2015. Collection method: not provided. Allele origin: germline. Inheritance: Autosomal recessive inheritance. Affected: yes.

Genetic Services Laboratory, University of Chicago
Classification: Likely benign for AllHighlyPenetrant. Review status: no assertion criteria provided. Collection method: clinical testing. Allele origin: germline. Inheritance: Autosomal recessive inheritance. Not counted in ClinVar's aggregate classification.
Comment: Likely benign based on allele frequency in 1000 Genomes Project or ESP global frequency and its presence in a patient with a rare or unrelated disease phenotype. NOT Sanger confirmed.

NM_022095.4(ZNF335):c.3522A>T (p.Pro1174=)

Gene: ZNF335 (zinc finger protein 335; minus strand). Cytogenetic location: 20q13.12.
Variant type: single nucleotide variant.
Coding change: c.3522A>T on transcript NM_022095.4 (MANE Select); coding-DNA position 3522, A replaced by T.
Protein change: p.Pro1174=; no amino-acid change (proline 1174 retained).
Molecular consequence: synonymous variant.
Genome position (GRCh38, 1-based): chr20:45,950,035, T>A on the plus strand (A>T on the coding strand, the complement: ZNF335 is on the minus strand). VCF-style: chr20-45950035-T-A. GRCh37 (hg19) VCF-style: chr20-44578674-T-A.
Identifiers: ClinVar variation 130806 (VCV000130806.18), dbSNP rs16990951, ClinGen allele CA156096.
Genomic context (GRCh38, chr20:45,950,035, plus strand): 5'-CACTGTCTGTTCCTGGGCAACGATGATGTGTTCCTGGCTCAGTGCCTGCTGTAGCCGCTC[T>A]GGGCCCAGGACCCCGTGACTGGACTGGAGTGCAGCTGGGCAGAGAGGAGAGGATGCTCAC-3'
Protein context (NP_071378.1, residues 1164-1184): ALQSSHGVLG[Pro1174=]ERLQQALSQE